The following is an entry in ClinVar:

NM_000152.5(GAA):c.2104C>T (p.Arg702Cys)

Gene: GAA (alpha glucosidase; plus strand). Cytogenetic location: 17q25.3.
Variant type: single nucleotide variant.
Coding change: c.2104C>T on transcript NM_000152.5 (MANE Select); coding-DNA position 2104, C replaced by T.
Protein change: p.Arg702Cys; replaces arginine 702 with cysteine.
Molecular consequence: missense variant.
Genome position (GRCh38, 1-based): chr17:80,113,281, C>T. VCF-style: chr17-80113281-C-T. GRCh37 (hg19) VCF-style: chr17-78087080-C-T.
Other names: NM_000152.5(GAA):c.2104C>T; c.2104C>T (LRG_673t1); c.2104C>T, p.Arg702Cys (NM_001079803.3, NM_001079804.3); short protein forms R702C.
Identifiers: ClinVar variation 189040 (VCV000189040.75), dbSNP rs786204645, ClinGen allele CA274304.

ClinVar aggregate classification (germline): Pathogenic. Review status: reviewed by expert panel (3 of 4 stars). 16 submissions from 16 submitters: Pathogenic (1). 15 of the submissions do not count toward it. Last evaluated 2025-01-11.

Conditions:
GAA-related disorders.
Glycogen storage disease, type II (IOPD). Also called: CARDIOMEGALIA GLYCOGENICA DIFFUSA; GLYCOGENOSIS, GENERALIZED, CARDIAC FORM; GSD II; Glucosidase acid-1,4-alpha deficiency; Pompe Disease; POMPE DISEASE, INFANTILE-ONSET. Identifiers: Orphanet 365, MedGen C0017921, MONDO:0009290, OMIM 232300.

Allele frequency attached by ClinVar (database versions not stated): gnomAD exomes below 0.00001; gnomAD 0.00001.
gnomAD v4.1: 8 of 1,600,326 alleles (0.0005%); highest among the groups gnomAD compares: African/African-American, 0.0027%; no homozygotes.

Submissions 1 to 9 of 16:

ClinGen Lysosomal Storage Disorder Variant Curation Expert Panel
Classification: Pathogenic for Glycogen storage disease, type II. Last evaluated: 2025-01-11. Review status: reviewed by expert panel. Criteria: clingen_lsd_acmg_specifications_v2-1. Collection method: curation. Allele origin: germline. Inheritance: Autosomal recessive inheritance.
Comment: The NM_000152.5:c.2104C>T variant in GAA is a missense variant predicted to cause substitution of arginine by cysteine at amino acid 702 (p.Arg702Cys). At least 1 patient with this variant had documented GAA deficiency with <30% of normal mean control level of GAA activity in cultured fibroblasts (PMID: 14972326). At least 1 patient with this variant was reported to be on enzyme replacement therapy for Pompe disease (PMID: 25687148). Other patients with this variant who were noted to have Pompe disease were found in the literature, but enzyme activity was not discussed (PMID: 20308911, 31086307) (PP4_Moderate). This variant has been detected in at least 5 individuals with Pompe disease. Of those individuals, 2 were compound heterozygous for the variant and -32-13T>G a pathogenic variant by the ClinGen Lysosomal Diseases VCEP (phase unknown)(PMID: 20308911, 24158270) and 1 individual was compound heterozygous for the variant and c.2481+110_2646+39del (confirmed in trans by parental/family testing)(PMID: 14972326). Two individuals were homozygous for the variant (PMID: 25687148, 31086307), meetings the criteria for PM3_Strong. The highest population minor allele frequency in gnomAD v2.1.1 is 0.00004 (1/254192 alleles) in the African population, which is lower than the ClinGen LSD VCEP’s threshold for PM2_Supporting (<0.001), meeting this criterion (PM2_Supporting). Expression of the variant in COS resulted in less than 2% wild type GAA activity and evidence of abnormal GAA synthesis and processing, indicating that this variant may impact protein function (PMID: 14972326, 19862843)(PS3_Supporting). The computational predictor REVEL gives a score of 0.985 which is above the threshold of 0.7, evidence that correlates with impact to GAA function (PP3). Two different missense variants [c.2105G>T (p.Arg702Leu, ClinVar Variation ID: 92472) and c.2105G>A (p.Arg702His, ClinVar Variation ID: 426278)], in the same codon have been classified as pathogenic for Pompe disease by the ClinGen Lysosomal Diseases VCEP (PM5). There is a ClinVar entry for this variant (Variation ID: 189040). In summary, this variant meets the criteria to be classified as Pathogenic for Pompe disease. GAA-specific ACMG/AMP criteria met, based on the specifications of the ClinGen Lysosomal Diseases VCEP (Specifications Version 2.0): PP4_Moderate, PM3_Strong, PM2_Supporting, PS3_Supporting, PP3, PM5. (Classification approved by the ClinGen Lysosomal Diseases Variant Curation Expert Panel on January 11, 2025)

Genomenon, Inc
Classification: Pathogenic for Glycogen storage disease, type II. Last evaluated: 2026-07-01. Review status: criteria provided, single submitter. Criteria: Genomenon Sequence Variant Interpretation Standards - Updated. Collection method: curation. Allele origin: germline. Affected: yes. Not counted in ClinVar's aggregate classification.
Comment: GAA p.Arg702Cys (c.2104C>T) is a missense variant that changes the amino acid at codon 702 from Arginine to Cysteine. This variant has been observed in at least one proband with a GAA-related disorder in the compound heterozygous and/or homozygous state (PMID:40952111;39273088;37087815;35264382;34734785;34020684;33301762;31392188;30049495). At least one functional study has demonstrated a substantial alteration in protein function relative to the wild-type (PMID:19862843;14972326). It is absent or not present at a significant frequency in gnomAD. In silico models predict that this variant is possibly or probably damaging. In conclusion, we classify GAA p.Arg702Cys (c.2104C>T) as a pathogenic variant.

Natera, Inc.
Classification: Pathogenic for Glycogen storage disease type II. Last evaluated: 2025-07-23. Review status: criteria provided, single submitter. Criteria: Natera Variant Classification Schema (03/2026). Collection method: clinical testing. Allele origin: germline. Not counted in ClinVar's aggregate classification.
Comment: The c.2104C>T variant in GAA is a missense variant predicted to cause substitution of arginine to cysteine at amino acid 702. This variant is rare in the general population with a frequency below the threshold expected for the associated phenotype(s). This variant has been observed in one or more individuals affected with the associated recessive disease, as either homozygous or compound heterozygous with a second variant (PMID: 35264382, 33301762). Given the available evidence, this variant is classified as Pathogenic.

Labcorp Genetics (formerly Invitae), Labcorp
Classification: Pathogenic for Glycogen storage disease, type II. Last evaluated: 2024-09-11. Review status: criteria provided, single submitter. Criteria: Invitae Variant Classification Sherloc (09022015). Collection method: clinical testing. Allele origin: germline. Not counted in ClinVar's aggregate classification.
Comment: This sequence change replaces arginine, which is basic and polar, with cysteine, which is neutral and slightly polar, at codon 702 of the GAA protein (p.Arg702Cys). This variant is present in population databases (rs786204645, gnomAD 0.005%). This missense change has been observed in individual(s) with findings that are highly specific for GAA-related conditions (PMID: 14972326, 24158270). In at least one individual the data is consistent with being in trans (on the opposite chromosome) from a pathogenic variant. ClinVar contains an entry for this variant (Variation ID: 189040). Invitae Evidence Modeling of protein sequence and biophysical properties (such as structural, functional, and spatial information, amino acid conservation, physicochemical variation, residue mobility, and thermodynamic stability) indicates that this missense variant is expected to disrupt GAA protein function with a positive predictive value of 95%. Experimental studies have shown that this missense change affects GAA function (PMID: 14972326, 19862843). This variant disrupts the p.Arg702 amino acid residue in GAA. Other variant(s) that disrupt this residue have been determined to be pathogenic (PMID: 18211760, 18425781, 26310554). This suggests that this residue is clinically significant, and that variants that disrupt this residue are likely to be disease-causing. For these reasons, this variant has been classified as Pathogenic.

Revvity Omics, Revvity
Classification: Pathogenic. Last evaluated: 2023-12-11. Review status: criteria provided, single submitter. Criteria: ACMG Guidelines, 2015. Collection method: clinical testing. Allele origin: germline. Not counted in ClinVar's aggregate classification.

GeneDx
Classification: Pathogenic. Last evaluated: 2023-01-30. Review status: criteria provided, single submitter. Criteria: GeneDx Variant Classification Process June 2021. Collection method: clinical testing. Allele origin: germline. Affected: yes. Not counted in ClinVar's aggregate classification.
Comment: Functional analysis found this variant is associated with significantly reduced enzyme activity compared to wild-type (Montalvo AL et al., 2004); Not observed at significant frequency in large population cohorts (gnomAD); In silico analysis supports that this missense variant has a deleterious effect on protein structure/function; This variant is associated with the following publications: (PMID: 31254424, 31086307, 24158270, 14972326, 29046207, 32959227, 28856460, 31342611, 30922962, 25786784, 16917947, 31392188, 33301762, 34530085, 18425781)

Blueprint Genetics
Classification: Pathogenic for GAA-related disorders. Last evaluated: 2022-03-23. Review status: criteria provided, single submitter. Criteria: ACMG Guidelines, 2015. Collection method: clinical testing. Allele origin: germline. Affected: yes. Observed: 2 variant alleles. Not counted in ClinVar's aggregate classification.

MGZ Medical Genetics Center
Classification: Pathogenic for Glycogen storage disease, type II. Last evaluated: 2021-11-16. Review status: criteria provided, single submitter. Criteria: ACMG Guidelines, 2015. Collection method: clinical testing. Allele origin: germline. Affected: yes. Observed: 1 variant allele. Not counted in ClinVar's aggregate classification.
Comment: ACMG criteria applied: PS3, PS4_MOD, PM3, PM2_SUP, PP3, PP4

Genetic Services Laboratory, University of Chicago
Classification: Pathogenic. Last evaluated: 2021-09-01. Review status: criteria provided, single submitter. Criteria: ACMG Guidelines, 2015. Collection method: clinical testing. Allele origin: germline. Affected: yes. Not counted in ClinVar's aggregate classification.
Comment: The second sequence change is a missense variant in exon 15, c.2104C>T (p.Arg702Cys). The p.Arg702Cys change affects a highly conserved amino acid residue located in a domain of the GAA protein that is known to be functional. The p.Arg702Cys substitution appears to be deleterious using several in-silico pathogenicity prediction tools (SIFT, PolyPhen2, Align GVGD, REVEL). This sequence change has been described in the gnomAD database in one heterozygous individual which corresponds to a population frequency of 0.00039% (dpSNP rs786204645). This sequence change has been reported in individuals with glycogen storage disease II in the homozygous state and in the compound heterozygous state with other variants classified as pathogenic including the c.-32-13T>G sequence change (PMID: 34020684, 27858611, 24158270, 31086307, 14972326). Additionally, other sequence changes that affect this same amino acid have been reported in individuals with GAA-related disorders (18211760, 18425781, 26310554). Experimental studies have shown that this sequence change impacts the function of the GAA protein (PMID: 14972326, 19862843). Based on these collective evidences, the c.2104C> variant is classified as pathogenic.